The following is an entry in ClinVar:

NM_001360016.2(G6PD):c.[375G>T;379G>T383T>C384C>T]

Variant type: Haplotype.
Identifiers: ClinVar variation 1722723 (VCV001722723.2).

ClinVar aggregate classification (germline): Likely pathogenic (1 of 4 stars; one submission).

Conditions:
Anemia, nonspherocytic hemolytic, due to G6PD deficiency (CNSHA1). Also called: Hemolytic anemia due to G6PD deficiency; Favism, susceptibility to; Class I glucose-6-phosphate dehydrogenase deficiency; ANEMIA, CONGENITAL, NONSPHEROCYTIC HEMOLYTIC, 1. Identifiers: Orphanet 466026, MedGen C2720289, MONDO:0010480, OMIM 300908.

Submission:

Dunham Lab, University of Washington
Classification: Likely pathogenic for Anemia, nonspherocytic hemolytic, due to G6PD deficiency. Last evaluated: 2022-08-12. Review status: criteria provided, single submitter. Criteria: Bayesian ACMG Guidelines, 2018. Collection method: curation. Allele origin: unknown. Affected: yes.
Comment: Decreased activity in red blood cells of hemizygote (9%) (PS3). 379G>T, 383T>C, and 384C>T are not observed in gnomAD (PM2). Post_P 0.949 (odds of pathogenicity 168.4, Prior_P 0.1).

Literature cited by the submitters: PubMed 12367584.